The following is an entry in ClinVar:

NM_005476.7(GNE):c.1546A>C (p.Asn516His)

Gene: GNE (glucosamine (UDP-N-acetyl)-2-epimerase/N-acetylmannosamine kinase; minus strand). Cytogenetic location: 9p13.3.
Variant type: single nucleotide variant.
Coding change: c.1546A>C on transcript NM_005476.7 (MANE Select); coding-DNA position 1546, A replaced by C.
Protein change: p.Asn516His; replaces asparagine 516 with histidine.
Molecular consequence: missense variant. On other transcripts: intron variant (1).
Genome position (GRCh38, 1-based): chr9:36,222,864, T>G on the plus strand (A>C on the coding strand, the complement: GNE is on the minus strand). VCF-style: chr9-36222864-T-G. GRCh37 (hg19) VCF-style: chr9-36222861-T-G.
Other names: c.1639A>C (NM_001128227.2); c.1639A>C, p.Asn547His (NM_001128227.3); c.1216A>C, p.Asn406His (NM_001190384.3); c.1369A>C, p.Asn457His (NM_001190388.2, NM_001374798.1); c.1393A>C, p.Asn465His (NM_001374797.1); c.1411+509A>C (NM_001190383.3); short protein forms N547H, N516H, N406H, N465H, N457H.
Identifiers: ClinVar variation 597383 (VCV000597383.11), dbSNP rs1563930141, ClinGen allele CA373426368.
Genomic context (GRCh38, chr9:36,222,864, plus strand): 5'-TTTCCAGTCCCTTTCCTTGGCCAAATTTCCTTTCCGCCAGGGCAGCACAGTTGCCATCAT[T>G]GTCTACCCACACAGGGAGATGCAAAGTGTCAGAAAGGGGGGTCCTAAGGTCCACAGAGTT-3'
Protein context (NP_005467.1, residues 506-526): DTLHLPVWVD[Asn516His]DGNCAALAER

ClinVar aggregate classification (germline): Uncertain significance. Review status: criteria provided, multiple submitters, no conflicts (2 of 4 stars). 3 submissions from 3 submitters: Uncertain significance (3). Last evaluated 2023-07-18.

Conditions:
GNE myopathy (NM). Also called: INCLUSION BODY MYOPATHY, HEREDITARY, AUTOSOMAL RECESSIVE; INCLUSION BODY MYOPATHY 2, AUTOSOMAL RECESSIVE; MYOPATHY, DISTAL, WITH OR WITHOUT RIMMED VACUOLES; NONAKA DISTAL MYOPATHY; IBM 2; Inclusion body myopathy autosomal recessive. Identifiers: Orphanet 602, MedGen C1853926, MONDO:0011603, OMIM 605820.
Sialuria. Also called: SIALURIA, FRENCH TYPE; Sialic Acid Storage Disease. Identifiers: Orphanet 3166, MedGen C0342853, MONDO:0010028, OMIM 269921.

Submissions (3):

Labcorp Genetics (formerly Invitae), Labcorp
Classification: Uncertain significance for Sialuria; GNE myopathy. Last evaluated: 2023-07-18. Review status: criteria provided, single submitter. Criteria: Invitae Variant Classification Sherloc (09022015). Collection method: clinical testing. Allele origin: germline.
Comment: This sequence change replaces asparagine, which is neutral and polar, with histidine, which is basic and polar, at codon 547 of the GNE protein (p.Asn547His). This variant is not present in population databases (gnomAD no frequency). This variant has not been reported in the literature in individuals affected with GNE-related conditions. ClinVar contains an entry for this variant (Variation ID: 597383). Advanced modeling of protein sequence and biophysical properties (such as structural, functional, and spatial information, amino acid conservation, physicochemical variation, residue mobility, and thermodynamic stability) has been performed at Invitae for this missense variant, however the output from this modeling did not meet the statistical confidence thresholds required to predict the impact of this variant on GNE protein function. In summary, the available evidence is currently insufficient to determine the role of this variant in disease. Therefore, it has been classified as a Variant of Uncertain Significance.

Revvity Omics, Revvity
Classification: Uncertain significance. Last evaluated: 2022-06-21. Review status: criteria provided, single submitter. Criteria: ACMG Guidelines, 2015. Collection method: clinical testing. Allele origin: germline.

Eurofins Ntd Llc (ga)
Classification: Uncertain significance. Last evaluated: 2018-06-05. Review status: criteria provided, single submitter. Criteria: EGL ClinVar v180209 classification definitions. Collection method: clinical testing. Allele origin: germline. Observed: 1 variant allele, 1 heterozygote.